The following is an entry in ClinVar:

NM_003924.4(PHOX2B):c.938T>A (p.Met313Lys)

Gene: PHOX2B (paired like homeobox 2B; minus strand). Cytogenetic location: 4p13.
Variant type: single nucleotide variant.
Coding change: c.938T>A on transcript NM_003924.4 (MANE Select); coding-DNA position 938, T replaced by A.
Protein change: p.Met313Lys; replaces methionine 313 with lysine.
Molecular consequence: missense variant.
Genome position (GRCh38, 1-based): chr4:41,745,814, A>T on the plus strand (T>A on the coding strand, the complement: PHOX2B is on the minus strand). VCF-style: chr4-41745814-A-T. GRCh37 (hg19) VCF-style: chr4-41747831-A-T.
Other names: short protein forms M313K.
Identifiers: ClinVar variation 1766773 (VCV001766773.2), dbSNP rs2552096750, ClinGen allele CA356736631.

ClinVar aggregate classification (germline): Uncertain significance (1 of 4 stars; one submission).

Conditions:
Hereditary cancer-predisposing syndrome. Also called: Hereditary Cancer Syndrome; Hereditary neoplastic syndrome; Neoplastic Syndromes, Hereditary; Tumor predisposition. Identifiers: Orphanet 140162, MedGen C0027672, MeSH D009386, MONDO:0015356.

Submission:

Ambry Genetics
Classification: Uncertain significance for Hereditary cancer-predisposing syndrome. Last evaluated: 2022-06-13. Review status: criteria provided, single submitter. Criteria: Ambry Variant Classification Scheme 2023. Collection method: clinical testing. Allele origin: germline.
Comment: The p.M313K variant (also known as c.938T>A), located in coding exon 3 of the PHOX2B gene, results from a T to A substitution at nucleotide position 938. The methionine at codon 313 is replaced by lysine, an amino acid with similar properties. This amino acid position is conserved. In addition, the in silico prediction for this alteration is inconclusive. Since supporting evidence is limited at this time, the clinical significance of this alteration remains unclear.